The following is an entry in ClinVar:

NM_015338.6(ASXL1):c.2981C>G (p.Pro994Arg)

Gene: ASXL1 (ASXL transcriptional regulator 1; plus strand). Cytogenetic location: 20q11.21.
Variant type: single nucleotide variant.
Coding change: c.2981C>G on transcript NM_015338.6 (MANE Select); coding-DNA position 2981, C replaced by G.
Protein change: p.Pro994Arg; replaces proline 994 with arginine.
Molecular consequence: missense variant.
Genome position (GRCh38, 1-based): chr20:32,435,693, C>G. VCF-style: chr20-32435693-C-G. GRCh37 (hg19) VCF-style: chr20-31023496-C-G.
Other names: c.2798C>G, p.Pro933Arg (NM_001363734.1); short protein forms P994R, P933R.
Identifiers: ClinVar variation 4158899 (VCV004158899.1).
Genomic context (GRCh38, chr20:32,435,693, plus strand): 5'-ACTGTCAACAGGTGGACATTGAAAAGCTGAAAATCAACGGAGACTCTGAAGCACTGAGTC[C>G]TCACGGTGAGTCCACGGATACAGCCTCTGACTTTGAAGGTCACCTCACGGAGGACAGCAG-3'
Protein context (NP_056153.2, residues 984-1004): KINGDSEALS[Pro994Arg]HGESTDTASD

ClinVar aggregate classification (germline): Uncertain significance (1 of 4 stars; one submission).

Conditions:
Inborn genetic diseases. Identifiers: MedGen C0950123, MeSH D030342.

Submission:

Ambry Genetics
Classification: Uncertain significance for Inborn genetic diseases. Last evaluated: 2025-08-14. Review status: criteria provided, single submitter. Criteria: Ambry Variant Classification Scheme 2023. Collection method: clinical testing. Allele origin: germline.
Comment: The p.P994R variant (also known as c.2981C>G), located in coding exon 13 of the ASXL1 gene, results from a C to G substitution at nucleotide position 2981. The proline at codon 994 is replaced by arginine, an amino acid with dissimilar properties. This amino acid position is conserved. In addition, this alteration is predicted to be tolerated by in silico analysis. Based on the available evidence, the clinical significance of this variant remains unclear.